The following is an entry in ClinVar:

NM_001267550.2(TTN):c.72713C>T (p.Ser24238Leu)

Genes: TTN-AS1 (TTN antisense RNA 1; plus strand), TTN (titin; minus strand). Cytogenetic location: 2q31.2.
Variant type: single nucleotide variant.
Coding change: c.72713C>T on transcript NM_001267550.2 (MANE Select); coding-DNA position 72713, C replaced by T.
Protein change: p.Ser24238Leu; replaces serine 24238 with leucine.
Molecular consequence: missense variant.
Genome position (GRCh38, 1-based): chr2:178,573,419, G>A on the plus strand (C>T on the coding strand, the complement: TTN is on the minus strand). VCF-style: chr2-178573419-G-A. GRCh37 (hg19) VCF-style: chr2-179438146-G-A.
Other names: c.67790C>T, p.Ser22597Leu (NM_001256850.1); c.45518C>T, p.Ser15173Leu (NM_003319.4); c.65009C>T, p.Ser21670Leu (NM_133378.4); c.45893C>T, p.Ser15298Leu (NM_133432.3); c.46094C>T, p.Ser15365Leu (NM_133437.4); short protein forms S21670L, S24238L, S15173L, S15298L, S22597L, S15365L.
Identifiers: ClinVar variation 191900 (VCV000191900.8), dbSNP rs786205303, ClinGen allele CA237821.

ClinVar aggregate classification (germline): Uncertain significance. Review status: criteria provided, multiple submitters, no conflicts (2 of 4 stars). 4 submissions from 4 submitters: Uncertain significance (4). Last evaluated 2022-04-06.

Conditions:
Dilated cardiomyopathy 1G (CMD1G). Identifiers: Orphanet 154, MedGen C1858763, MONDO:0011400, OMIM 604145.
Autosomal recessive limb-girdle muscular dystrophy type 2J (LGMDR10). Also called: Limb-girdle muscular dystrophy, type 2J; MUSCULAR DYSTROPHY, LIMB-GIRDLE, AUTOSOMAL RECESSIVE 10. Identifiers: Orphanet 140922, MedGen C1837342, MONDO:0012127, OMIM 608807.
Hypertrophic cardiomyopathy 9. Also called: Familial hypertrophic cardiomyopathy 9. Identifiers: MedGen C1861065, MONDO:0013412, OMIM 613765.

Allele frequency attached by ClinVar (database versions not stated): gnomAD 0.00001; gnomAD exomes 0.00001 and 0.00005; TOPMed 0.00002.
gnomAD v4.1: 67 of 1,519,052 alleles (0.0044%); highest among the groups gnomAD compares: Middle Eastern, 0.018%; no homozygotes.

Submissions (4):

New York Genome Center
Classification: Uncertain significance for Hypertrophic cardiomyopathy 9; Dilated cardiomyopathy 1G. Last evaluated: 2022-04-06. Review status: criteria provided, single submitter. Criteria: NYGC Assertion Criteria 2020. Collection method: clinical testing. Allele origin: germline. Observed: 1 variant allele.
Comment: The c.72713C>T p.(Ser24238Leu) variant in TTN has not previously been reported in the literature or public variant repositories (ClinVar and LOVD). The c.72713C>T variant is observed in 8 alleles (~0.002% MAF with 0 homozygotes) in population databases (gnomAD v2.1.1 and v3.1.2, TOPMed Freeze 8), suggesting it is not a common benign variant in the populations represented in those databases. The c.72713C>T variant is located in exon 326 of this 363-exon gene and predicted toreplace an evolutionarily conserved serine amino acid with leucine at position 24238 in the A-band of the encoded protein. In silico predictions are inconclusive of the variant's effect (CADD v1.6 = 35, REVEL = 0.404); however, there are no functional studies to support or refute these predictions. Based on available evidence this c.72713C>T p.(Ser24238Leu) variant identified in TTN is classified as a Variant of Uncertain Significance.

Revvity Omics, Revvity
Classification: Uncertain significance. Last evaluated: 2022-01-24. Review status: criteria provided, single submitter. Criteria: ACMG Guidelines, 2015. Collection method: clinical testing. Allele origin: germline.

Labcorp Genetics (formerly Invitae), Labcorp
Classification: Uncertain significance for Dilated cardiomyopathy 1G; Autosomal recessive limb-girdle muscular dystrophy type 2J. Last evaluated: 2017-12-27. Review status: criteria provided, single submitter. Criteria: Invitae Variant Classification Sherloc (09022015). Collection method: clinical testing. Allele origin: germline.

Biesecker Lab/Clinical Genomics Section, National Institutes of Health
Classification: Uncertain significance. Last evaluated: 2013-06-24. Review status: criteria provided, single submitter. Criteria: Ng et al. (Circ Cardiovasc Genet. 2013). Collection method: research. Allele origin: unknown. Observed: 1 variant allele. Study: ClinSeq.
Comment: The study set was not selected for affection status in relation to any cancer. Pathogenicity categories were based on literature curation. See Pubmed ID:23861362 for details.

Medical sequencing